The following is an entry in ClinVar:

NM_001101362.3(KBTBD13):c.8G>A (p.Arg3Gln)

Gene: KBTBD13 (kelch repeat and BTB domain containing 13; plus strand). Cytogenetic location: 15q22.31.
Variant type: single nucleotide variant.
Coding change: c.8G>A on transcript NM_001101362.3 (MANE Select); coding-DNA position 8, G replaced by A.
Protein change: p.Arg3Gln; replaces arginine 3 with glutamine.
Molecular consequence: missense variant.
Genome position (GRCh38, 1-based): chr15:65,076,823, G>A. VCF-style: chr15-65076823-G-A. GRCh37 (hg19) VCF-style: chr15-65369161-G-A.
Other names: short protein forms R3Q.
Identifiers: ClinVar variation 1056635 (VCV001056635.10), dbSNP rs759494469, ClinGen allele CA7613835.

ClinVar aggregate classification (germline): Uncertain significance (1 of 4 stars; one submission).

Conditions:
Nemaline myopathy 6 (NEM6). Also called: Nemaline myopathy 6, autosomal dominant. Identifiers: Orphanet 171439, MedGen C1836472, MONDO:0012237, OMIM 609273.

Allele frequency attached by ClinVar (database versions not stated): TOPMed below 0.00001; gnomAD exomes 0.00001; ExAC 0.00008.
gnomAD v4.1: 3 of 1,533,304 alleles (0.0002%); highest among the groups gnomAD compares: South Asian, 0.0012%; no homozygotes.

Submission:

Labcorp Genetics (formerly Invitae), Labcorp
Classification: Uncertain significance for Nemaline myopathy 6. Last evaluated: 2022-01-14. Review status: criteria provided, single submitter. Criteria: Invitae Variant Classification Sherloc (09022015). Collection method: clinical testing. Allele origin: germline.
Comment: In summary, the available evidence is currently insufficient to determine the role of this variant in disease. Therefore, it has been classified as a Variant of Uncertain Significance. Algorithms developed to predict the effect of missense changes on protein structure and function output the following: SIFT: "Tolerated"; PolyPhen-2: "Benign"; Align-GVGD: "Class C0". The glutamine amino acid residue is found in multiple mammalian species, which suggests that this missense change does not adversely affect protein function. ClinVar contains an entry for this variant (Variation ID: 1056635). This variant has not been reported in the literature in individuals affected with KBTBD13-related conditions. The frequency data for this variant in the population databases is considered unreliable, as metrics indicate poor data quality at this position in the gnomAD database. This sequence change replaces arginine, which is basic and polar, with glutamine, which is neutral and polar, at codon 3 of the KBTBD13 protein (p.Arg3Gln).